The following is an entry in ClinVar:

ClinVar aggregate classification (germline): Uncertain significance (1 of 4 stars; one submission).

Conditions:
Centromeric instability of chromosomes 1,9 and 16 and immunodeficiency (ICF1). Also called: Immunodeficiency-centromeric instability-facial anomalies; IMMUNE DEFICIENCY, VARIABLE, WITH CENTROMERIC INSTABILITY OF CHROMOSOMES 1, 9, AND 16; IMMUNODEFICIENCY SYNDROME, VARIABLE; CENTROMERIC INSTABILITY, IMMUNODEFICIENCY SYNDROME. Identifiers: Orphanet 2268, MedGen C0398788, MONDO:0000133.

Allele frequency attached by ClinVar (database versions not stated): gnomAD exomes below 0.00001.
gnomAD v4.1: 1 of 1,614,024 alleles (0.000062%); highest among the groups gnomAD compares: Non-Finnish European, 0.000085%; no homozygotes.

Submission:

Labcorp Genetics (formerly Invitae), Labcorp
Classification: Uncertain significance for Centromeric instability of chromosomes 1,9 and 16 and immunodeficiency. Last evaluated: 2021-11-12. Review status: criteria provided, single submitter. Criteria: Invitae Variant Classification Sherloc (09022015). Collection method: clinical testing. Allele origin: germline.
Comment: This sequence change replaces proline, which is neutral and non-polar, with leucine, which is neutral and non-polar, at codon 119 of the DNMT3B protein (p.Pro119Leu). This variant is not present in population databases (gnomAD no frequency). This variant has not been reported in the literature in individuals affected with DNMT3B-related conditions. Algorithms developed to predict the effect of missense changes on protein structure and function output the following: SIFT: "Deleterious"; PolyPhen-2: "Benign"; Align-GVGD: "Class C15". The leucine amino acid residue is found in multiple mammalian species, which suggests that this missense change does not adversely affect protein function. In summary, the available evidence is currently insufficient to determine the role of this variant in disease. Therefore, it has been classified as a Variant of Uncertain Significance.

NM_006892.4(DNMT3B):c.356C>T (p.Pro119Leu)

Gene: DNMT3B (DNA methyltransferase 3 beta; plus strand). Cytogenetic location: 20q11.21.
Variant type: single nucleotide variant.
Coding change: c.356C>T on transcript NM_006892.4 (MANE Select); coding-DNA position 356, C replaced by T.
Protein change: p.Pro119Leu; replaces proline 119 with leucine.
Molecular consequence: missense variant. On other transcripts: intron variant (2).
Genome position (GRCh38, 1-based): chr20:32,786,551, C>T. VCF-style: chr20-32786551-C-T. GRCh37 (hg19) VCF-style: chr20-31374357-C-T.
Other names: c.356C>T, p.Pro119Leu (NM_175848.2, NM_175849.2); c.392C>T, p.Pro131Leu (NM_175850.3); c.307-679C>T (NM_001207055.2); c.205-679C>T (NM_001207056.2); short protein forms P131L, P119L.
Identifiers: ClinVar variation 1393282 (VCV001393282.3), dbSNP rs1228962376, ClinGen allele CA408586262.